The following is an entry in ClinVar:

NM_006231.4(POLE):c.988G>A (p.Gly330Ser)

Gene: POLE (DNA polymerase epsilon, catalytic subunit; minus strand). Cytogenetic location: 12q24.33.
Variant type: single nucleotide variant.
Coding change: c.988G>A on transcript NM_006231.4 (MANE Select); coding-DNA position 988, G replaced by A.
Protein change: p.Gly330Ser; replaces glycine 330 with serine.
Molecular consequence: missense variant.
Genome position (GRCh38, 1-based): chr12:132,676,126, C>T on the plus strand (G>A on the coding strand, the complement: POLE is on the minus strand). VCF-style: chr12-132676126-C-T. GRCh37 (hg19) VCF-style: chr12-133252712-C-T.
Other names: short protein forms G330S.
Identifiers: ClinVar variation 540620 (VCV000540620.8), dbSNP rs1555229288, ClinGen allele CA387363598.
Genomic context (GRCh38, chr12:132,676,126, plus strand): 5'-GGTAGTTTCCCAAGTGATACCTCCTTACCTCATCGGGTTCATTGAAGACACAAAAGGGGC[C>T]TTCATATTCTGGCTTGGGGGTGAACTCAAAATCTTCAATATCTTCTGAAACAATCTCCCT-3'
Protein context (NP_006222.2, residues 320-340): FEFTPKPEYE[Gly330Ser]PFCVFNEPDE

ClinVar aggregate classification (germline): Uncertain significance (1 of 4 stars; one submission).

Submission:

Labcorp Genetics (formerly Invitae), Labcorp
Classification: Uncertain significance. Last evaluated: 2025-04-29. Review status: criteria provided, single submitter. Criteria: Invitae Variant Classification Sherloc (09022015). Collection method: clinical testing. Allele origin: germline.
Comment: This sequence change replaces glycine, which is neutral and non-polar, with serine, which is neutral and polar, at codon 330 of the POLE protein (p.Gly330Ser). This variant is not present in population databases (gnomAD no frequency). This variant has not been reported in the literature in individuals affected with POLE-related conditions. ClinVar contains an entry for this variant (Variation ID: 540620). Invitae Evidence Modeling of protein sequence and biophysical properties (such as structural, functional, and spatial information, amino acid conservation, physicochemical variation, residue mobility, and thermodynamic stability) indicates that this missense variant is expected to disrupt POLE protein function with a positive predictive value of 80%. In summary, the available evidence is currently insufficient to determine the role of this variant in disease. Therefore, it has been classified as a Variant of Uncertain Significance.